The following is an entry in ClinVar:

NM_003366.4(UQCRC2):c.988T>C (p.Tyr330His)

Genes: PDZD9 (PDZ domain containing 9), UQCRC2 (ubiquinol-cytochrome c reductase core protein 2). Cytogenetic location: 16p12.2.
Variant type: single nucleotide variant.
Coding change: c.988T>C on transcript NM_003366.4 (MANE Select); coding-DNA position 988, T replaced by C.
Protein change: p.Tyr330His; replaces tyrosine 330 with histidine.
Molecular consequence: missense variant.
Genome position (GRCh38, 1-based): chr16:21,973,917, T>C. VCF-style: chr16-21973917-T-C. GRCh37 (hg19) VCF-style: chr16-21985238-T-C.
Other names: short protein forms Y330H.
Identifiers: ClinVar variation 2020145 (VCV002020145.4), dbSNP rs2507414768, ClinGen allele CA395253980.
Genomic context (GRCh38, chr16:21,973,917, plus strand): 5'-TGGTAGAATATCATACAGTAAAGTCTCATTATCTTTCAGGTTTCTGCATTTAATGCCAGT[T>C]ACTCAGATTCTGGACTCTTTGGGATTTATACTATCTCCCAGGCCACAGCTGCTGGAGATG-3'
Protein context (NP_003357.2, residues 320-340): PFDVSAFNAS[Tyr330His]SDSGLFGIYT

ClinVar aggregate classification (germline): Uncertain significance (1 of 4 stars; one submission).

Allele frequency attached by ClinVar (database versions not stated): gnomAD exomes below 0.00001.
gnomAD v4.1: 1 of 1,613,176 alleles (0.000062%); highest among the groups gnomAD compares: Non-Finnish European, 0.000085%; no homozygotes.

Submission:

Labcorp Genetics (formerly Invitae), Labcorp
Classification: Uncertain significance. Last evaluated: 2023-05-22. Review status: criteria provided, single submitter. Criteria: Invitae Variant Classification Sherloc (09022015). Collection method: clinical testing. Allele origin: germline.
Comment: This sequence change replaces tyrosine, which is neutral and polar, with histidine, which is basic and polar, at codon 330 of the UQCRC2 protein (p.Tyr330His). This variant is not present in population databases (gnomAD no frequency). This variant has not been reported in the literature in individuals affected with UQCRC2-related conditions. ClinVar contains an entry for this variant (Variation ID: 2020145). Advanced modeling of protein sequence and biophysical properties (such as structural, functional, and spatial information, amino acid conservation, physicochemical variation, residue mobility, and thermodynamic stability) performed at Invitae indicates that this missense variant is not expected to disrupt UQCRC2 protein function. In summary, the available evidence is currently insufficient to determine the role of this variant in disease. Therefore, it has been classified as a Variant of Uncertain Significance.